The following is an entry in ClinVar:

ClinVar aggregate classification (germline): Pathogenic. Review status: reviewed by expert panel (3 of 4 stars). 2 submissions from 2 submitters: Pathogenic (1). 1 of the submissions does not count toward it. Last evaluated 2016-10-18.

Conditions:
Breast-ovarian cancer, familial, susceptibility to, 1 (BROVCA1). Also called: BRCA1 Hereditary Breast and Ovarian Cancer; OVARIAN CANCER, SUSCEPTIBILITY TO. Identifiers: Orphanet 145, MedGen C2676676, MONDO:0011450, OMIM 604370. Disease mechanism: loss of function.

Submissions (2):

Evidence-based Network for the Interpretation of Germline Mutant Alleles (ENIGMA)
Classification: Pathogenic for Breast-ovarian cancer, familial, susceptibility to, 1. Last evaluated: 2016-10-18. Review status: reviewed by expert panel. Criteria: ENIGMA BRCA1/2 Classification Criteria (2015). Collection method: curation. Allele origin: germline.
Comment: Variant allele predicted to encode a truncated non-functional protein.

Consortium of Investigators of Modifiers of BRCA1/2 (CIMBA), c/o University of Cambridge
Classification: Pathogenic for Breast-ovarian cancer, familial, susceptibility to, 1. Last evaluated: 2015-10-02. Review status: criteria provided, single submitter. Criteria: CIMBA Mutation Classification guidelines May 2016. Collection method: clinical testing. Allele origin: germline. Not counted in ClinVar's aggregate classification.

NM_007294.4(BRCA1):c.2012dup (p.Gly671_Lys672insTer)

Gene: BRCA1 (BRCA1 DNA repair associated; minus strand). Cytogenetic location: 17q21.31.
Variant type: Duplication.
Coding change: c.2012dup on transcript NM_007294.4 (MANE Select); coding-DNA position 2012, one base duplicated (G; older notation c.2012dupG).
Protein change: p.Gly671_Lys672insTer.
Molecular consequence: frameshift variant. On other transcripts: nonsense (1), intron variant (137).
Genome position (GRCh38, 1-based): chr17:43,093,519, C duplicated on the plus strand (G on the coding strand, the reverse complement: BRCA1 is on the minus strand); the first of 2 consecutive C bases (chr17:43,093,519-43,093,520); duplicating either gives the same sequence. VCF-style (leftmost placement, unchanged base first): chr17-43093518-A-AC. GRCh37 (hg19) VCF-style: chr17-41245535-A-AC.
Other names: 2131insG; c.2012dup, p.Gly671_Lys672insTer (NM_007294.3, NM_001407581.1, NM_001407582.1 and 31 more transcripts); c.583+1225dup (NM_001408475.1); c.709+1225dup (NM_001408412.1, NM_001408409.1, NM_001408414.1 and 2 more transcripts); c.451+1225dup (NM_001408509.1, NM_001408508.1); c.574+1225dup (NM_001408491.1, NM_001408493.1, NM_001408490.1); c.460+2327dup (NM_001408506.1, NM_001408507.1); c.577+1225dup (NM_001408481.1, NM_001408480.1, NM_001408492.1 and 9 more transcripts); and 41 more.
Identifiers: ClinVar variation 266209 (VCV000266209.7), dbSNP rs886039989, ClinGen allele CA10589901.
Genomic context (GRCh38, chr17:43,093,518, plus strand): 5'-TCTTTTACTTGTCTGTTCATTTGGCTTGTTACTCTTCTTGGCTCCAGTTGCAGGTTCTTT[A>AC]CCTTCCATGAGTTGTAGGTTTCTGCTGTGCCTGACTGGCATTTGGTTGTACTTTTTTTTC-3'